The following is an entry in ClinVar:

ClinVar aggregate classification (germline): Uncertain significance (1 of 4 stars; one submission).

Submission:

Labcorp Genetics (formerly Invitae), Labcorp
Classification: Uncertain significance. Last evaluated: 2025-01-21. Review status: criteria provided, single submitter. Criteria: Invitae Variant Classification Sherloc (09022015). Collection method: clinical testing. Allele origin: germline.
Comment: This sequence change affects codon 187 of the NOG mRNA. It is a 'silent' change, meaning that it does not change the encoded amino acid sequence of the NOG protein. This variant is present in population databases (rs202015803, gnomAD 0.007%). This variant has not been reported in the literature in individuals affected with NOG-related conditions. In summary, the available evidence is currently insufficient to determine the role of this variant in disease. Therefore, it has been classified as a Variant of Uncertain Significance.

NM_005450.6(NOG):c.561C>G (p.Pro187=)

Gene: NOG (noggin; plus strand). Cytogenetic location: 17q22.
Variant type: single nucleotide variant.
Coding change: c.561C>G on transcript NM_005450.6 (MANE Select); coding-DNA position 561, C replaced by G.
Protein change: p.Pro187=; no amino-acid change (proline 187 retained).
Molecular consequence: synonymous variant.
Genome position (GRCh38, 1-based): chr17:56,594,784, C>G. VCF-style: chr17-56594784-C-G. GRCh37 (hg19) VCF-style: chr17-54672145-C-G.
Identifiers: ClinVar variation 3684292 (VCV003684292.2).